The following is an entry in ClinVar:

ClinVar aggregate classification (germline): Likely benign. Review status: criteria provided, multiple submitters, no conflicts (2 of 4 stars). 3 submissions from 3 submitters: Likely benign (3). Last evaluated 2020-10-08.

Conditions:
Hereditary cancer-predisposing syndrome. Also called: Tumor predisposition; Hereditary Cancer Syndrome; Hereditary neoplastic syndrome; Neoplastic Syndromes, Hereditary. Identifiers: Orphanet 140162, MedGen C0027672, MeSH D009386, MONDO:0015356.
Hereditary breast ovarian cancer syndrome. Also called: Breast and ovarian cancer; Hereditary breast and/or ovarian cancer syndrome; BRCA1- and BRCA2-Associated Hereditary Breast and Ovarian Cancer; Hereditary breast and ovarian cancer syndrome; Hereditary breast and ovarian cancer syndrome (HBOC); Hereditary breast and ovarian cancer. Identifiers: Orphanet 145, MedGen C0677776, MeSH D061325, MONDO:0003582. Disease mechanism: loss of function.

Allele frequency attached by ClinVar (database versions not stated): TOPMed 0.00002; gnomAD 0.00003.
gnomAD v4.1: 4 of 1,613,710 alleles (0.00025%); highest among the groups gnomAD compares: African/African-American, 0.0053%; no homozygotes.

Submissions (4):

Labcorp Genetics (formerly Invitae), Labcorp
Classification: Likely benign for Hereditary breast ovarian cancer syndrome. Last evaluated: 2020-10-08. Review status: criteria provided, single submitter. Criteria: Invitae Variant Classification Sherloc (09022015). Collection method: clinical testing. Allele origin: germline.

GeneDx
Classification: Likely benign. Last evaluated: 2019-04-29. Review status: criteria provided, single submitter. Criteria: GeneDx Variant Classification Process June 2021. Collection method: clinical testing. Allele origin: germline. Affected: yes.
Comment: Has not been previously published as pathogenic or benign to our knowledge; This variant is associated with the following publications: (PMID: 30209399, 15918047)

Ambry Genetics
Classification: Likely benign for Hereditary cancer-predisposing syndrome. Last evaluated: 2015-10-22. Review status: criteria provided, single submitter. Criteria: Ambry Variant Classification Scheme 2023. Collection method: clinical testing. Allele origin: germline.

Brotman Baty Institute, University of Washington
No classification provided (evidence only). Condition: Breast-ovarian cancer, familial 1. Review status: no classification provided. Collection method: in vitro. Allele origin: not applicable. Functional consequence: functionally_normal. Not counted in ClinVar's aggregate classification.
ClinVar note: "not provided" was previously submitted as the classification for the variant. However, the classification appeared to be based only on an observation of functional data so it was converted to no classification on 2025-07-30.

Literature cited by the submitters: PubMed 15918047 (cited by Ambry Genetics).

NM_007294.4(BRCA1):c.5529A>C (p.Ala1843=)

Gene: BRCA1 (BRCA1 DNA repair associated; minus strand). Cytogenetic location: 17q21.31.
Variant type: single nucleotide variant.
Coding change: c.5529A>C on transcript NM_007294.4 (MANE Select); coding-DNA position 5529, A replaced by C.
Protein change: p.Ala1843=; no amino-acid change (alanine 1843 retained).
Molecular consequence: synonymous variant. On other transcripts: 3 prime UTR variant (17).
Genome position (GRCh38, 1-based): chr17:43,045,741, T>G on the plus strand (A>C on the coding strand, the complement: BRCA1 is on the minus strand). VCF-style: chr17-43045741-T-G. GRCh37 (hg19) VCF-style: chr17-41197758-T-G.
Other names: c.5316A>C, p.Ala1772= (NM_001407571.1, NM_001407894.1, NM_001407895.1 and 12 more transcripts); c.5595A>C, p.Ala1865= (NM_001407581.1, NM_001407582.1); c.5592A>C, p.Ala1864= (NM_001407583.1, NM_001407585.1, NM_001407587.1 and 1 more transcripts); c.5589A>C, p.Ala1863= (NM_001407590.1, NM_001407591.1); c.5529A>C, p.Ala1843= (NM_001407593.1, NM_001407594.1, NM_001407596.1 and 5 more transcripts); c.5526A>C, p.Ala1842= (NM_001407610.1, NM_001407611.1, NM_001407612.1 and 14 more transcripts); c.5523A>C, p.Ala1841= (NM_001407627.1, NM_001407628.1, NM_001407629.1 and 13 more transcripts); c.5520A>C, p.Ala1840= (NM_001407644.1, NM_001407645.1); and 74 more.
Identifiers: ClinVar variation 482890 (VCV000482890.20), dbSNP rs1160863525, ClinGen allele CA500142895.